The following is an entry in ClinVar:

NM_001244008.2(KIF1A):c.4554C>T (p.Ser1518=)

Gene: KIF1A (kinesin family member 1A; minus strand). Cytogenetic location: 2q37.3.
Variant type: single nucleotide variant.
Coding change: c.4554C>T on transcript NM_001244008.2 (MANE Select); coding-DNA position 4554, C replaced by T.
Protein change: p.Ser1518=; no amino-acid change (serine 1518 retained).
Molecular consequence: synonymous variant.
Genome position (GRCh38, 1-based): chr2:240,722,567, G>A on the plus strand (C>T on the coding strand, the complement: KIF1A is on the minus strand). VCF-style: chr2-240722567-G-A. GRCh37 (hg19) VCF-style: chr2-241661984-G-A.
Other names: c.4278C>T, p.Ser1426= (NM_001320705.2, NM_001379649.1); c.4305C>T, p.Ser1435= (NM_001330289.2); c.4353C>T, p.Ser1451= (NM_001330290.2, NM_001379648.1); c.4629C>T, p.Ser1543= (NM_001379631.1); c.4530C>T, p.Ser1510= (NM_001379632.1); c.4527C>T, p.Ser1509= (NM_001379633.1, NM_001379645.1); c.4380C>T, p.Ser1460= (NM_001379634.1); c.4377C>T, p.Ser1459= (NM_001379635.1, NM_001379646.1); and 7 more.
Identifiers: ClinVar variation 499661 (VCV000499661.18), dbSNP rs775395101, ClinGen allele CA2207389.
Genomic context (GRCh38, chr2:240,722,567, plus strand): 5'-GCGGCCCTCAGCCGAGAGCGGGGAGGAGGCGCTGGAGGAGCCATGGGACTCAGAGTCCTC[G>A]CTGAAGGCCGGGGACAGTGCCTCCGGGACAGGCCGCTGGGCGGTCTCCAGCTTCTCCCGC-3'
Protein context (NP_001230937.1, residues 1508-1528): PVPEALSPAF[Ser1518=]EDSESHGSSS

ClinVar aggregate classification (germline): Conflicting classifications of pathogenicity. Review status: criteria provided, conflicting classifications (1 of 4 stars). 5 submissions from 5 submitters: Uncertain significance (1); Benign (1); Likely benign (2). 1 of the submissions does not count toward it. Last evaluated 2025-07-30.

Conditions:
KIF1A-related disorder. Also called: KIF1A-related disorders; KIF1A-related condition.
Inborn genetic diseases. Identifiers: MedGen C0950123, MeSH D030342.
Neuropathy, hereditary sensory, type 2C. Also called: Hereditary sensory and autonomic neuropathy type IIC; KIF1A-Related HSAN2 (HSAN2C). Identifiers: Orphanet 970, MedGen C3280168, MONDO:0013634, OMIM 614213.
Intellectual disability, autosomal dominant 9 (NESCAVS). Also called: NESCAV SYNDROME; KIF1A-Related Neurodevelopmental Disorder. Identifiers: Orphanet 662367, MedGen C5393830, MONDO:0013656, OMIM 614255.
Hereditary spastic paraplegia 30. Identifiers: Orphanet 101010, MedGen C5235139, MONDO:0012476.

Allele frequency attached by ClinVar (database versions not stated): gnomAD exomes 0.00004; ExAC 0.00011; TOPMed 0.00012; gnomAD 0.00017 and 0.00018.
gnomAD v4.1: 50 of 1,555,428 alleles (0.0032%); highest among the groups gnomAD compares: African/African-American, 0.05%; 1 homozygote.

Submissions (5):

Labcorp Genetics (formerly Invitae), Labcorp
Classification: Benign for Hereditary spastic paraplegia 30; Neuropathy, hereditary sensory, type 2C; Intellectual disability, autosomal dominant 9. Last evaluated: 2025-07-30. Review status: criteria provided, single submitter. Criteria: Invitae Variant Classification Sherloc (09022015). Collection method: clinical testing. Allele origin: germline.

GeneDx
Classification: Likely benign. Last evaluated: 2021-11-22. Review status: criteria provided, single submitter. Criteria: GeneDx Variant Classification Process June 2021. Collection method: clinical testing. Allele origin: germline. Affected: yes.
Comment: In silico analysis supports that this variant does not alter splicing; Nucleotide substitution has no predicted effect on splicing and is not conserved across species; Has not been previously published as pathogenic or benign to our knowledge

Ambry Genetics
Classification: Likely benign for Inborn genetic diseases. Last evaluated: 2019-07-11. Review status: criteria provided, single submitter. Criteria: Ambry Variant Classification Scheme 2023. Collection method: clinical testing. Allele origin: germline.

Eurofins Ntd Llc (ga)
Classification: Uncertain significance. Last evaluated: 2017-01-20. Review status: criteria provided, single submitter. Criteria: EGL Classification Definitions 2015. Collection method: clinical testing. Allele origin: germline. Observed: 1 variant allele, 1 heterozygote.

PreventionGenetics, part of Exact Sciences
Classification: Likely benign for KIF1A-related condition. Last evaluated: 2024-05-18. Review status: no assertion criteria provided. Collection method: clinical testing. Allele origin: germline. Not counted in ClinVar's aggregate classification.
Comment: This variant is classified as likely benign based on ACMG/AMP sequence variant interpretation guidelines (Richards et al. 2015 PMID: 25741868, with internal and published modifications).